The following is an entry in ClinVar:

NM_003239.5(TGFB3):c.325G>A (p.Asp109Asn)

Gene: TGFB3 (transforming growth factor beta 3; minus strand). Cytogenetic location: 14q24.3.
Variant type: single nucleotide variant.
Coding change: c.325G>A on transcript NM_003239.5 (MANE Select); coding-DNA position 325, G replaced by A.
Protein change: p.Asp109Asn; replaces aspartic acid 109 with asparagine.
Molecular consequence: missense variant.
Genome position (GRCh38, 1-based): chr14:75,980,569, C>T on the plus strand (G>A on the coding strand, the complement: TGFB3 is on the minus strand). VCF-style: chr14-75980569-C-T. GRCh37 (hg19) VCF-style: chr14-76446912-C-T.
Other names: c.325G>A, p.Asp109Asn (NM_001329938.2, NM_001329939.2); short protein forms D109N.
Identifiers: ClinVar variation 665993 (VCV000665993.12), dbSNP rs986180095, ClinGen allele CA390470896.

ClinVar aggregate classification (germline): Uncertain significance. Review status: criteria provided, multiple submitters, no conflicts (2 of 4 stars). 3 submissions from 3 submitters: Uncertain significance (3). Last evaluated 2020-03-11.

Conditions:
Familial thoracic aortic aneurysm and aortic dissection (TAAD). Also called: Thoracic aortic aneurysms and dissections. Identifiers: Orphanet 91387, MedGen C4707243, MONDO:0019625.
Arrhythmogenic right ventricular dysplasia 1. Identifiers: Orphanet 3403, MedGen C1862511, MONDO:0007152, OMIM 107970.
Rienhoff syndrome. Also called: LOEYS-DIETZ SYNDROME 5. Identifiers: MedGen C3810012, MONDO:0014262, OMIM 615582.

Allele frequency attached by ClinVar (database versions not stated): gnomAD exomes below 0.00001.
gnomAD v4.1: 2 of 1,614,224 alleles (0.00012%); highest among the groups gnomAD compares: Admixed American, 0.0017%; no homozygotes.

Submissions (3):

Ambry Genetics
Classification: Uncertain significance for Familial thoracic aortic aneurysm and aortic dissection. Last evaluated: 2020-03-11. Review status: criteria provided, single submitter. Criteria: Ambry Variant Classification Scheme 2023. Collection method: clinical testing. Allele origin: germline.
Comment: The p.D109N variant (also known as c.325G>A), located in coding exon 1 of the TGFB3 gene, results from a G to A substitution at nucleotide position 325. The aspartic acid at codon 109 is replaced by asparagine, an amino acid with highly similar properties. This amino acid position is not well conserved in available vertebrate species, and asparagine is the reference amino acid in other vertebrate species. In addition, this alteration is predicted to be tolerated by in silico analysis. Since supporting evidence is limited at this time, the clinical significance of this alteration remains unclear.

Baylor Genetics
Classification: Uncertain significance for Arrhythmogenic right ventricular dysplasia 1. Last evaluated: 2019-01-02. Review status: criteria provided, single submitter. Criteria: ACMG Guidelines, 2015. Collection method: clinical testing. Allele origin: unknown. Affected: yes.
Comment: This variant was determined to be of uncertain significance according to ACMG Guidelines, 2015 [PMID:25741868].

Labcorp Genetics (formerly Invitae), Labcorp
Classification: Uncertain significance for Rienhoff syndrome. Last evaluated: 2018-10-08. Review status: criteria provided, single submitter. Criteria: Invitae Variant Classification Sherloc (09022015). Collection method: clinical testing. Allele origin: germline.
Comment: This sequence change replaces aspartic acid with asparagine at codon 109 of the TGFB3 protein (p.Asp109Asn). The aspartic acid residue is moderately conserved and there is a small physicochemical difference between aspartic acid and asparagine. This variant is not present in population databases (ExAC no frequency). This variant has not been reported in the literature in individuals with TGFB3-related disease. Algorithms developed to predict the effect of missense changes on protein structure and function (SIFT, PolyPhen-2, Align-GVGD) all suggest that this variant is likely to be tolerated, but these predictions have not been confirmed by published functional studies and their clinical significance is uncertain. In summary, the available evidence is currently insufficient to determine the role of this variant in disease. Therefore, it has been classified as a Variant of Uncertain Significance.